The following is an entry in ClinVar:

NM_000875.5(IGF1R):c.1401G>A (p.Gly467=)

Gene: IGF1R (insulin like growth factor 1 receptor; plus strand). Cytogenetic location: 15q26.3.
Variant type: single nucleotide variant.
Coding change: c.1401G>A on transcript NM_000875.5 (MANE Select); coding-DNA position 1401, G replaced by A.
Protein change: p.Gly467=; no amino-acid change (glycine 467 retained).
Molecular consequence: synonymous variant.
Genome position (GRCh38, 1-based): chr15:98,908,838, G>A. VCF-style: chr15-98908838-G-A. GRCh37 (hg19) VCF-style: chr15-99452067-G-A.
Other names: c.1401G>A, p.Gly467= (NM_001291858.2); c.1401G>A (NM_000875.3).
Identifiers: ClinVar variation 747713 (VCV000747713.34), dbSNP rs202060277, ClinGen allele CA7752081.

ClinVar aggregate classification (germline): Conflicting classifications of pathogenicity. Review status: criteria provided, conflicting classifications (1 of 4 stars). 4 submissions from 4 submitters: Uncertain significance (1); Likely benign (3). Last evaluated 2025-07-06.

Conditions:
Growth delay due to insulin-like growth factor I resistance. Also called: Somatomedin end-organ insensitivity to; Somatomedin-c resistance to; IGF-1 resistance; IGF-I RESISTANCE; Insulin-Like Growth Factor I Resistance. Identifiers: Orphanet 73273, MedGen C1849157, MONDO:0010038, OMIM 270450.

Allele frequency attached by ClinVar (database versions not stated): TOPMed 0.00003; gnomAD 0.00006; ESP Exome Variant Server 0.00008; gnomAD exomes 0.00009; ExAC 0.00010; 1000 Genomes Project 30x 0.00016; 1000 Genomes Project 0.00020.
gnomAD v4.1: 177 of 1,614,172 alleles (0.011%); highest among the groups gnomAD compares: Non-Finnish European, 0.014%; no homozygotes.

Submissions (4):

Labcorp Genetics (formerly Invitae), Labcorp
Classification: Likely benign. Last evaluated: 2025-07-06. Review status: criteria provided, single submitter. Criteria: Invitae Variant Classification Sherloc (09022015). Collection method: clinical testing. Allele origin: germline.

Blueprint Genetics
Classification: Likely benign. Last evaluated: 2024-09-07. Review status: criteria provided, single submitter. Criteria: ACMG Guidelines, 2015. Collection method: clinical testing. Allele origin: germline.

CeGaT Center for Human Genetics Tuebingen
Classification: Likely benign. Last evaluated: 2022-09-01. Review status: criteria provided, single submitter. Criteria: CeGaT Center For Human Genetics Tuebingen Variant Classification Criteria Version 2. Collection method: clinical testing. Allele origin: germline. Affected: yes. Observed: 1 variant allele.
Comment: IGF1R: BP4, BP7

Revvity Omics, Revvity
Classification: Uncertain significance for Growth delay due to insulin-like growth factor I resistance. Last evaluated: 2019-09-26. Review status: criteria provided, single submitter. Criteria: ACMG Guidelines, 2015. Collection method: clinical testing. Allele origin: germline.